The following continues an entry in ClinVar:

NM_001048174.2(MUTYH):c.241C>T (p.Arg81Trp)

Gene: MUTYH. ClinVar aggregate classification (germline): Pathogenic/Likely pathogenic. Pathogenic (11); Likely pathogenic (7).

Submissions 9 to 21 of 21:

GeneDx
Classification: Pathogenic. Last evaluated: 2024-03-15. Review status: criteria provided, single submitter. Criteria: GeneDx Variant Classification Process June 2021. Collection method: clinical testing. Allele origin: germline. Affected: yes.
Comment: Observed in the apparently heterozygous state in individuals with Lynch syndrome-associated cancers and/or colon polyps, as well as other cancers (PMID: 17949294, 25980754, 35264596, 34308104); Published functional studies demonstrate a damaging effect: decreased DNA glycosylase activity, decreased ability to suppress 8-hydroxyguanine-induced mutations compared to wild type (PMID: 24799981); In silico analysis supports that this missense variant has a deleterious effect on protein structure/function; Also known as c.283C>T, Arg95Trp, and R81W; This variant is associated with the following publications: (PMID: 20725929, 28152038, 19732775, 19032956, 24799981, 17949294, 25980754, 26600934, 26694661, 21520333, 27253753, 19394335, 30604180, 33830941, 34308104, 35264596, 30291343, 32980694)

Baylor Genetics
Classification: Pathogenic for Familial adenomatous polyposis 2. Last evaluated: 2024-02-01. Review status: criteria provided, single submitter. Criteria: ACMG Guidelines, 2015. Collection method: clinical testing. Allele origin: unknown.

Quest Diagnostics Nichols Institute San Juan Capistrano
Classification: Pathogenic. Last evaluated: 2024-01-18. Review status: criteria provided, single submitter. Criteria: Quest Diagnostics criteria. Collection method: clinical testing. Allele origin: unknown.
Comment: The MUTYH c.325C>T (p.Arg109Trp) variant has been reported in the published literature as compound heterozygous with a pathogenic MUTYH variant in individuals with MUTYH-associated polyposis (PMIDs: 27705013 (2016), 27145315 (2016), 25980754 (2015), 19732775 (2009), 19527492 (2009), 19394335 (2009)). It was also mentioned in an individual with suspected Lynch syndrome (25980754 (2015)), urothelial cancer (PMID: 31844177 (2020)) and as heterozygous in an individual with early onset colorectal cancer (PMID: 24799981 (2014)). This variant was also reported in breast cancer cases as well as in reportedly healthy individuals in a large scale breast cancer association study (PMID: 33471991 (2021), see also LOVD). A functional study demonstrated that this variant has impaired DNA repair activity in vitro (PMID: 24799981 (2014)). The frequency of this variant in the general population, 0.000054 (7/129178 chromosomes (Genome Aggregation Database)), is uninformative in the assessment of its pathogenicity. Analysis of this variant using bioinformatics tools for the prediction of the effect of amino acid changes on protein structure and function yielded predictions that this variant is damaging. Based on the available information, this variant is classified as pathogenic.

Institute for Clinical Genetics, University Hospital TU Dresden, University Hospital TU Dresden
Classification: Likely pathogenic. Last evaluated: 2021-11-03. Review status: criteria provided, single submitter. Criteria: ACMG Guidelines, 2015. Collection method: clinical testing. Allele origin: germline.

Department of Molecular Diagnostics, Institute of Oncology Ljubljana
Classification: Likely pathogenic for Familial adenomatous polyposis 2. Last evaluated: 2020-04-02. Review status: criteria provided, single submitter. Criteria: ACMG Guidelines, 2015. Collection method: clinical testing. Allele origin: germline. Affected: yes.

Department of Pathology and Laboratory Medicine, Sinai Health System
Classification: Pathogenic for Familial adenomatous polyposis 2. Last evaluated: 2019-04-01. Review status: criteria provided, single submitter. Criteria: ACMG Guidelines, 2015. Collection method: research. Allele origin: germline.

Mendelics
Classification: Pathogenic for MYH-associated polyposis. Last evaluated: 2018-07-02. Review status: criteria provided, single submitter. Criteria: Mendelics Assertion Criteria 2017. Collection method: clinical testing. Allele origin: unknown.

Knight Diagnostic Laboratories, Oregon Health and Sciences University
Classification: Likely pathogenic for Familial adenomatous polyposis 2. Last evaluated: 2016-03-30. Review status: criteria provided, single submitter. Criteria: ACMG Guidelines, 2015. Collection method: clinical testing. Allele origin: germline. Affected: no. Study: CSER-NextGen.
Comment: The c.325C>T (p.Arg109Trp) missense variant in the MUTYH gene has been previously reported in multiple individuals affected with Familial Adenomatous Polyposis (Vogt et al., 2009; Shinmura et al., 2014; Nielsen M et al., 2009). In two unrelated individuals, this variant was observed in trans with a known pathogenic variant, Gly396Asp (Vogt et al., 2009; Yurgelun MB et al., 2015). Furthermore, an in vitro functional assay demonstrated that this variant resulted in reduced DNA glycosylase activity and impaired mutation-suppression activity (Shinmura et al., 2014). This variant is reported at low frequency in the population databases (Exome Sequencing Project = NA; 1000 Genomes = NA; and ExAC = 0.006%). Multiple in silico algorithms predict this variant to have a deleterious effect (CADD = 15.47; PolyPhen = 1.0; SIFT = 0.0). Ambry Genetics has classified this variant as Likely pathogenic. Therefore, this collective evidence supports the classification of the c.325C>T (p.Arg109Trp) as a recessive Likely pathogenic variant for Familial Adenomatous Polyposis.

Women's Health and Genetics/Laboratory Corporation of America, LabCorp
Classification: Likely pathogenic for Familial adenomatous polyposis 2. Last evaluated: 2015-10-16. Review status: criteria provided, single submitter. Criteria: LabCorp Variant Classification Summary - May 2015. Collection method: clinical testing. Allele origin: germline.

Juno Genomics, Hangzhou Juno Genomics, Inc
Classification: Likely pathogenic for Familial adenomatous polyposis 2. Review status: criteria provided, single submitter. Criteria: ACMG Guidelines, 2015. Collection method: clinical testing. Allele origin: germline.
Comment: Absent from controls (or at extremely low frequency if recessive) in Genome Aggregation Database.;Well-established in vitro or in vivo functional studies supportive of a damaging effect on the gene or gene product.;For recessive disorders, detected in trans with a pathogenic variant.;Novel missense change at an amino acid residue where a different missense change determined to be pathogenic has been seen before.

Laboratory for Genotyping Development, RIKEN
Classification: Pathogenic for Gastric cancer. Last evaluated: 2021-07-01. Review status: no assertion criteria provided. Collection method: research. Allele origin: germline. Not counted in ClinVar's aggregate classification.

Counsyl
Classification: Likely pathogenic for Familial adenomatous polyposis 2. Last evaluated: 2015-09-18. Review status: no assertion criteria provided. Collection method: clinical testing. Allele origin: unknown. Not counted in ClinVar's aggregate classification.

Department of Pathology and Laboratory Medicine, Sinai Health System
Classification: Pathogenic for Carcinoma of colon. Review status: no assertion criteria provided. Collection method: clinical testing. Allele origin: unknown. Affected: yes. Observed: 1 variant allele. Study: The Canadian Open Genetics Repository (COGR). Not counted in ClinVar's aggregate classification.
Comment: The p.Arg109Trp variant was identified in 2 of 438 proband chromosomes (frequency: 0.005) from Euorpean and Japanese individuals or families with MAP or early onset colorectal cancer (Nielsen 2009, Shinmura 2014); The variant was not identified in dbSNP, NHLBI Exome Sequencing Project (Exome Variant Server), MutDB, â€šÃ„ÃºZhejiang Colon Cancer Databaseâ€šÃ„Ã¹, the ClinVar database, GeneInsight VariantWire database, UMD and COSMIC; nor was it previously identified in our laboratory. The variant was identified in the Exome Aggregation Consortium (ExAC) database (released Oct 20th, 2014) in 6 of 121394 chromosomes (all heterozygotes; frequency: 4.94E-05) from a population of European (Non-Finnish) (4/66728 individuals) and South Asian (2/16512) individuals, but not in East Asian, African, Latino or European (Finnish) individuals; the variant was also identified in the InSiGHT Colon Cancer Gene Variant Database (3x) and HGMD. The p.Arg109 residue is conserved across mammals and lower organisms, and 5 of 5 computational analyses (PolyPhen-2, SIFT, AlignGVGD, BLOSUM, MutationTaster) suggest that the Trp (Tryptophan) variant may impact the protein. However, this information is not predictive enough to assume pathogenicity. In a Dutch study evaluating histological and molecular aspects of MAP tumours, it was found that these tumours show similarities to sporadic and Lynch tumors. The variant co-occurred with the pathogenic p.Gly396Asp (Nielsen 2009). An additional European study looking at incidence of both malignant and benign extracolonic lesions in MAP patients, the variant co-occurred with the pathogenic p.Gly396Asp. (Vogt 2009) increasing the likelihood this variant is clinically significant. In summary, based on the above information, this variant meets our laboratory's criteria to be classified as pathogenic.

Literature cited by the submitters: PubMed 24799981 (cited by 7 submitters); PubMed 30604180 (cited by Dasa and Ambry Genetics); PubMed 19732775 (cited by 6 submitters); PubMed 25980754 (cited by 7 submitters); PubMed 21520333 (cited by Labcorp Genetics (formerly Invitae), Labcorp); PubMed 19394335 (cited by 3 submitters); PubMed 19414147 (cited by Ambry Genetics); PubMed 25197429 (cited by Ambry Genetics); PubMed 26600934 (cited by Ambry Genetics); PubMed 27145315 (cited by Ambry Genetics and Quest Diagnostics Nichols Institute San Juan Capistrano); PubMed 29406563 (cited by Ambry Genetics); PubMed 19527492 (cited by 3 submitters); PubMed 27705013 (cited by Quest Diagnostics Nichols Institute San Juan Capistrano); PubMed 31844177 (cited by Quest Diagnostics Nichols Institute San Juan Capistrano); PubMed 33471991 (cited by Quest Diagnostics Nichols Institute San Juan Capistrano); PubMed 20725929 (cited by Women's Health and Genetics/Laboratory Corporation of America, LabCorp); PubMed 19032956 (cited by Women's Health and Genetics/Laboratory Corporation of America, LabCorp); PubMed 36988593 (cited by Laboratory for Genotyping Development, RIKEN); PubMed 17949294 (cited by Counsyl).